The following is an entry in ClinVar:

NM_004082.5(DCTN1):c.2895G>T (p.Glu965Asp)

Gene: DCTN1 (dynactin subunit 1; minus strand). Cytogenetic location: 2p13.1.
Variant type: single nucleotide variant.
Coding change: c.2895G>T on transcript NM_004082.5 (MANE Select); coding-DNA position 2895, G replaced by T.
Protein change: p.Glu965Asp; replaces glutamic acid 965 with aspartic acid.
Molecular consequence: missense variant. On other transcripts: non-coding transcript variant (1).
Genome position (GRCh38, 1-based): chr2:74,365,649, C>A on the plus strand (G>T on the coding strand, the complement: DCTN1 is on the minus strand). VCF-style: chr2-74365649-C-A. GRCh37 (hg19) VCF-style: chr2-74592776-C-A.
Other names: c.2835G>T, p.Glu945Asp (NM_001135040.3); c.2493G>T, p.Glu831Asp (NM_001135041.3, NM_023019.4); c.2784G>T, p.Glu928Asp (NM_001190836.2); c.2874G>T, p.Glu958Asp (NM_001190837.2); c.2844G>T, p.Glu948Asp (NM_001378991.1); c.2826G>T, p.Glu942Asp (NM_001378992.1); short protein forms E942D, E945D, E948D, E831D, E928D, E965D, E958D.
Identifiers: ClinVar variation 2935480 (VCV002935480.3), dbSNP rs1248075223, ClinGen allele CA347341981.

ClinVar aggregate classification (germline): Uncertain significance (1 of 4 stars; one submission).

Conditions:
Amyotrophic lateral sclerosis type 1 (ALS1). Also called: AMYOTROPHIC LATERAL SCLEROSIS 1, FAMILIAL. Identifiers: Orphanet 803, MedGen C1862939, MONDO:0007103, OMIM 105400.
Neuronopathy, distal hereditary motor, type 7B. Also called: HMN VIIB; LOWER MOTOR NEURON DISEASE, DYNACTIN TYPE; NEURONOPATHY, DISTAL HEREDITARY MOTOR, AUTOSOMAL DOMINANT 14; NEURONOPATHY, DISTAL HEREDITARY MOTOR, HARDING TYPE VIIB; NEUROPATHY, DISTAL HEREDITARY MOTOR, HARDING TYPE VIIB; NEUROPATHY, DISTAL HEREDITARY MOTOR, WITH VOCAL CORD PARALYSIS, HARDING TYPE VIIB. Identifiers: Orphanet 139589, MedGen C1843315, MONDO:0011879, OMIM 607641.
Perry syndrome. Also called: PARKINSONISM WITH ALVEOLAR HYPOVENTILATION AND MENTAL DEPRESSION. Identifiers: Orphanet 178509, MedGen C1868594, MONDO:0008201, OMIM 168605.

Allele frequency attached by ClinVar (database versions not stated): TOPMed below 0.00001.
gnomAD v4.1: 2 of 1,614,148 alleles (0.00012%); highest among the groups gnomAD compares: Middle Eastern, 0.033%; no homozygotes.

Submission:

Labcorp Genetics (formerly Invitae), Labcorp
Classification: Uncertain significance for Amyotrophic lateral sclerosis type 1; Neuronopathy, distal hereditary motor, type 7B; Perry syndrome. Last evaluated: 2023-09-28. Review status: criteria provided, single submitter. Criteria: Invitae Variant Classification Sherloc (09022015). Collection method: clinical testing. Allele origin: germline.
Comment: In summary, the available evidence is currently insufficient to determine the role of this variant in disease. Therefore, it has been classified as a Variant of Uncertain Significance. Advanced modeling of protein sequence and biophysical properties (such as structural, functional, and spatial information, amino acid conservation, physicochemical variation, residue mobility, and thermodynamic stability) performed at Invitae indicates that this missense variant is not expected to disrupt DCTN1 protein function. This variant has not been reported in the literature in individuals affected with DCTN1-related conditions. This variant is not present in population databases (gnomAD no frequency). This sequence change replaces glutamic acid, which is acidic and polar, with aspartic acid, which is acidic and polar, at codon 965 of the DCTN1 protein (p.Glu965Asp).